The following is an entry in ClinVar:

NM_001330288.2(SMARCC2):c.1330A>G (p.Arg444Gly)

Gene: SMARCC2 (SWI/SNF related BAF chromatin remodeling complex subunit C2; minus strand). Cytogenetic location: 12q13.2.
Variant type: single nucleotide variant.
Coding change: c.1330A>G on transcript NM_001330288.2 (MANE Select); coding-DNA position 1330, A replaced by G.
Protein change: p.Arg444Gly; replaces arginine 444 with glycine.
Molecular consequence: missense variant.
Genome position (GRCh38, 1-based): chr12:56,178,074, T>C on the plus strand (A>G on the coding strand, the complement: SMARCC2 is on the minus strand). VCF-style: chr12-56178074-T-C. GRCh37 (hg19) VCF-style: chr12-56571858-T-C.
Other names: c.1330A>G, p.Arg444Gly (NM_001130420.3, NM_003075.5, NM_139067.4); short protein forms R444G.
Identifiers: ClinVar variation 4882767 (VCV004882767.2).

ClinVar aggregate classification (germline): Uncertain significance (1 of 4 stars; one submission).

Submission:

Dasa
Classification: Uncertain significance. Last evaluated: 2026-01-12. Review status: criteria provided, single submitter. Criteria: DASA Assertion Criteria. Collection method: clinical testing. Allele origin: germline.
Comment: NM_001330288.2(SMARCC2):c.1330A>G (p.Arg444Gly) is a missense variant that results in the substitution of arginine with glycine. This variant is rare in population databases. The currently available literature and clinical evidence are not sufficient to establish a definitive association between this variant and the reported condition. Therefore, this variant is classified as a variant of uncertain significance.